The following is an entry in ClinVar:

NM_198994.3(TGM6):c.1235G>A (p.Arg412His)

Gene: TGM6 (transglutaminase 6; plus strand). Cytogenetic location: 20p13.
Variant type: single nucleotide variant.
Coding change: c.1235G>A on transcript NM_198994.3 (MANE Select); coding-DNA position 1235, G replaced by A.
Protein change: p.Arg412His; replaces arginine 412 with histidine.
Molecular consequence: missense variant.
Genome position (GRCh38, 1-based): chr20:2,403,722, G>A. VCF-style: chr20-2403722-G-A. GRCh37 (hg19) VCF-style: chr20-2384368-G-A.
Other names: p.Arg412His; c.1235G>A, p.Arg412His (NM_001254734.2); short protein forms R412H.
Identifiers: ClinVar variation 337925 (VCV000337925.18), dbSNP rs142679146, ClinGen allele CA9732023.
Genomic context (GRCh38, chr20:2,403,722, plus strand): 5'-TTGCGGAGGTCAACGCCGACTACATCACCTGGCTGTGGCACGAGGATGAGAGCCGGGAGC[G>A]TGTATACTCAAACACGAAGAAGATTGGGAGATGCATCAGCACCAAGGCGGTGGGCAGTGA-3'
Protein context (NP_945345.2, residues 402-422): WLWHEDESRE[Arg412His]VYSNTKKIGR

ClinVar aggregate classification (germline): Benign/Likely benign. Review status: criteria provided, multiple submitters, no conflicts (2 of 4 stars). 7 submissions from 7 submitters: Benign (4); Likely benign (3). Last evaluated 2025-10-21.

Conditions:
Inborn genetic diseases. Identifiers: MedGen C0950123, MeSH D030342.
Spinocerebellar ataxia type 35. Identifiers: Orphanet 276193, MedGen C3888031, MONDO:0013485, OMIM 613908.

Allele frequency attached by ClinVar (database versions not stated): gnomAD exomes 0.00037 and 0.00090; ExAC 0.00109; 1000 Genomes Project 30x 0.00312; ESP Exome Variant Server 0.00338; 1000 Genomes Project 0.00339; gnomAD 0.00376 and 0.00410; TOPMed 0.00427.
gnomAD v4.1: 1,136 of 1,614,206 alleles (0.07%); highest among the groups gnomAD compares: African/African-American, 1.2%; 3 homozygotes.

Submissions (7):

Labcorp Genetics (formerly Invitae), Labcorp
Classification: Benign. Last evaluated: 2025-10-21. Review status: criteria provided, single submitter. Criteria: Invitae Variant Classification Sherloc (09022015). Collection method: clinical testing. Allele origin: germline.

Blueprint Genetics
Classification: Likely benign. Last evaluated: 2024-10-08. Review status: criteria provided, single submitter. Criteria: ACMG Guidelines, 2015. Collection method: clinical testing. Allele origin: germline.

Mayo Clinic Laboratories, Mayo Clinic
Classification: Benign. Last evaluated: 2024-09-19. Review status: criteria provided, single submitter. Criteria: ACMG Guidelines, 2015. Collection method: clinical testing. Allele origin: germline. Observed: 3 variant alleles.
Comment: BA1, BS2

Athena Diagnostics
Classification: Benign. Last evaluated: 2024-03-24. Review status: criteria provided, single submitter. Criteria: Athena Diagnostics Criteria. Collection method: clinical testing. Allele origin: unknown.

GeneDx
Classification: Likely benign. Last evaluated: 2022-01-19. Review status: criteria provided, single submitter. Criteria: GeneDx Variant Classification Process June 2021. Collection method: clinical testing. Allele origin: germline. Affected: yes.
Comment: See Variant Classification Assertion Criteria.

Ambry Genetics
Classification: Likely benign for Inborn genetic diseases. Last evaluated: 2021-07-20. Review status: criteria provided, single submitter. Criteria: Ambry Variant Classification Scheme 2023. Collection method: clinical testing. Allele origin: germline.

Illumina Laboratory Services, Illumina
Classification: Benign for Spinocerebellar ataxia type 35. Last evaluated: 2018-01-13. Review status: criteria provided, single submitter. Criteria: ICSL Variant Classification Criteria 13 December 2019. Collection method: clinical testing. Allele origin: germline.
Comment: This variant was observed in the ICSL laboratory as part of a predisposition screen in an ostensibly healthy population. It had not been previously curated by ICSL or reported in the Human Gene Mutation Database (HGMD: prior to June 1st, 2018), and was therefore a candidate for classification through an automated scoring system. Utilizing variant allele frequency, disease prevalence and penetrance estimates, and inheritance mode, an automated score was calculated to assess if this variant is too frequent to cause the disease. Based on the score and internal cut-off values, a variant classified as benign is not then subjected to further curation. The score for this variant resulted in a classification of benign for this disease.

Literature cited by the submitters: PubMed 36644153 (cited by Athena Diagnostics).